The following is an entry in ClinVar:

ClinVar aggregate classification (germline): Pathogenic/Likely pathogenic. Review status: criteria provided, multiple submitters, no conflicts (2 of 4 stars). 4 submissions from 4 submitters: Pathogenic (2); Likely pathogenic (2). Last evaluated 2024-09-28.

Conditions:
Congenital hyperammonemia, type I. Also called: Carbamoyl phosphate synthetase 1 deficiency; Hyperammonemia due to carbamoyl phosphate synthetase 1 deficiency; CPS 1 deficiency; Carbamyl phosphate synthetase (CPS) deficiency; Carbamoyl-phosphate synthase I deficiency; Carbamoyl phosphate synthetase I deficiency disease. Identifiers: Orphanet 147, MedGen C4082171, MONDO:0009376, OMIM 237300.

Allele frequency attached by ClinVar (database versions not stated): gnomAD exomes below 0.00001 and 0.00001; TOPMed 0.00001.
gnomAD v4.1: 14 of 1,612,076 alleles (0.00087%); highest among the groups gnomAD compares: Non-Finnish European, 0.0012%; no homozygotes.

Submissions (4):

Natera, Inc.
Classification: Pathogenic for Carbamoyl-phosphate synthase I deficiency. Last evaluated: 2024-09-28. Review status: criteria provided, single submitter. Criteria: Natera Variant Classification Schema (03/2026). Collection method: clinical testing. Allele origin: germline.
Comment: The c.1912C>T variant in CPS1 is a nonsense variant predicted to introduce a stop codon at amino acid 638. This variant is expected to result in nonsense mediated decay, truncation, or a dysfunctional protein product. This variant is rare in the general population with a frequency below the threshold expected for the associated phenotype(s). This variant has been observed in one or more individuals affected with the associated recessive disease, as either homozygous or compound heterozygous with a second variant (PMID: 33190319). Given the available evidence, this variant is classified as Pathogenic.

Labcorp Genetics (formerly Invitae), Labcorp
Classification: Pathogenic for Congenital hyperammonemia, type I. Last evaluated: 2023-02-16. Review status: criteria provided, single submitter. Criteria: Invitae Variant Classification Sherloc (09022015). Collection method: clinical testing. Allele origin: germline.
Comment: This variant is present in population databases (rs759201450, gnomAD 0.0009%). For these reasons, this variant has been classified as Pathogenic. ClinVar contains an entry for this variant (Variation ID: 544151). This variant has not been reported in the literature in individuals affected with CPS1-related conditions. This sequence change creates a premature translational stop signal (p.Arg638*) in the CPS1 gene. It is expected to result in an absent or disrupted protein product. Loss-of-function variants in CPS1 are known to be pathogenic (PMID: 21120950).

Women's Health and Genetics/Laboratory Corporation of America, LabCorp
Classification: Likely pathogenic for Congenital hyperammonemia, type I. Last evaluated: 2022-08-19. Review status: criteria provided, single submitter. Criteria: LabCorp Variant Classification Summary - May 2015. Collection method: clinical testing. Allele origin: germline.
Comment: Variant summary: CPS1 c.1912C>T (p.Arg638X) results in a premature termination codon, predicted to cause a truncation of the encoded protein or absence of the protein due to nonsense mediated decay, which are commonly known mechanisms for disease. Truncations downstream of this position have been classified as pathogenic by our laboratory. The variant allele was found at a frequency of 4e-06 in 250578 control chromosomes (gnomAD). c.1912C>T has been reported in the literature in at-least one individual affected with Carbamoylphosphate Synthetase I Deficiency (example: Staretz-Chacham_2021). This data does not allow any conclusion about variant significance. To our knowledge, no experimental evidence demonstrating an impact on protein function has been reported. Two clinical diagnostic laboratories have submitted clinical-significance assessments for this variant to ClinVar after 2014 and all classified the variant as pathogenic/likely pathogenic. Based on the evidence outlined above, the variant was classified as likely pathogenic.

Revvity Omics, Revvity
Classification: Likely pathogenic for Congenital hyperammonemia, type I. Last evaluated: 2021-08-10. Review status: criteria provided, single submitter. Criteria: ACMG Guidelines, 2015. Collection method: clinical testing. Allele origin: germline.

Literature cited by the submitters: PubMed 33190319 (cited by Natera, Inc. and Women's Health and Genetics/Laboratory Corporation of America, LabCorp); PubMed 21120950 (cited by Labcorp Genetics (formerly Invitae), Labcorp).

NM_001875.5(CPS1):c.1912C>T (p.Arg638Ter)

Gene: CPS1 (carbamoyl-phosphate synthase 1; plus strand). Cytogenetic location: 2q34.
Variant type: single nucleotide variant.
Coding change: c.1912C>T on transcript NM_001875.5 (MANE Select); coding-DNA position 1912, C replaced by T.
Protein change: p.Arg638Ter; replaces arginine 638 with a stop codon.
Molecular consequence: nonsense. On other transcripts: non-coding transcript variant (2).
Genome position (GRCh38, 1-based): chr2:210,605,177, C>T. VCF-style: chr2-210605177-C-T. GRCh37 (hg19) VCF-style: chr2-211469901-C-T.
Other names: c.1912C>T (LRG_336t1); c.1912C>T, p.Arg638Ter (NM_001122633.3, NM_001369257.1); c.1945C>T, p.Arg649Ter (NM_001369256.1); short protein forms R638*, R649*.
Identifiers: ClinVar variation 544151 (VCV000544151.12), dbSNP rs759201450, ClinGen allele CA64759629.
Genomic context (GRCh38, chr2:210,605,177, plus strand): 5'-AACCAAATTCTGGTGGAGAAGTCAGTGACAGGTTGGAAAGAAATAGAATATGAAGTGGTT[C>T]GAGATGCTGATGACAATTGTGTCACTGTCTGTAACATGGAAAATGTTGATGCCATGGGTG-3'